The following is an entry in ClinVar:

NM_014270.5(SLC7A9):c.205T>C (p.Trp69Arg)

Gene: SLC7A9 (solute carrier family 7 member 9; minus strand). Cytogenetic location: 19q13.11.
Variant type: single nucleotide variant.
Coding change: c.205T>C on transcript NM_014270.5 (MANE Select); coding-DNA position 205, T replaced by C.
Protein change: p.Trp69Arg; replaces tryptophan 69 with arginine.
Molecular consequence: missense variant.
Genome position (GRCh38, 1-based): chr19:32,864,659, A>G on the plus strand (T>C on the coding strand, the complement: SLC7A9 is on the minus strand). VCF-style: chr19-32864659-A-G. GRCh37 (hg19) VCF-style: chr19-33355565-A-G.
Other names: c.205T>C (NM_014270.4); c.205T>C, p.Trp69Arg (NM_001126335.2, NM_001243036.2); short protein forms W69R.
Identifiers: ClinVar variation 1036514 (VCV001036514.11), dbSNP rs1968911413, ClinGen allele CA405204288.
Genomic context (GRCh38, chr19:32,864,659, plus strand): 5'-GGGCTGCAACAGGCTCCCAAGTCTCTTTACCCAGCGTCGCGAGGACCCCGCAAGCCGCCC[A>G]TATGATGAGGCAGGGCCCCACAGCTTCCGTGTTGCTGAGCACAGACTTGGGGGAAACGAA-3'
Protein context (NP_055085.1, residues 59-79): TEAVGPCLII[Trp69Arg]AACGVLATLG

ClinVar aggregate classification (germline): Uncertain significance. Review status: criteria provided, multiple submitters, no conflicts (2 of 4 stars). 3 submissions from 3 submitters: Uncertain significance (3). Last evaluated 2025-03-26.

Conditions:
Cystinuria (CSNU). Also called: Cystinuria, non-type I; CYSTINURIA, TYPE I; CYSTINURIA, TYPE II; CYSTINURIA, TYPE III. Identifiers: Orphanet 214, MedGen C0010691, MONDO:0009067, OMIM 220100, HP:0003131.
Inborn genetic diseases. Identifiers: MedGen C0950123, MeSH D030342.

Allele frequency attached by ClinVar (database versions not stated): gnomAD exomes below 0.00001.
gnomAD v4.1: 2 of 1,614,074 alleles (0.00012%); highest among the groups gnomAD compares: South Asian, 0.0011%; no homozygotes.

Submissions (3):

Ambry Genetics
Classification: Uncertain significance for Inborn genetic diseases. Last evaluated: 2025-03-26. Review status: criteria provided, single submitter. Criteria: Ambry Variant Classification Scheme 2023. Collection method: clinical testing. Allele origin: germline.

Department of Pathology and Laboratory Medicine, Sinai Health System
Classification: Uncertain significance for Cystinuria. Last evaluated: 2023-03-13. Review status: criteria provided, single submitter. Criteria: ACMG Guidelines, 2015. Collection method: research. Allele origin: germline.

Labcorp Genetics (formerly Invitae), Labcorp
Classification: Uncertain significance. Last evaluated: 2020-02-25. Review status: criteria provided, single submitter. Criteria: Invitae Variant Classification Sherloc (09022015). Collection method: clinical testing. Allele origin: germline.
Comment: This sequence change replaces tryptophan with arginine at codon 69 of the SLC7A9 protein (p.Trp69Arg). The tryptophan residue is highly conserved and there is a moderate physicochemical difference between tryptophan and arginine. In summary, the available evidence is currently insufficient to determine the role of this variant in disease. Therefore, it has been classified as a Variant of Uncertain Significance. Algorithms developed to predict the effect of missense changes on protein structure and function (SIFT, PolyPhen-2, Align-GVGD) all suggest that this variant is likely to be disruptive, but these predictions have not been confirmed by published functional studies and their clinical significance is uncertain. This variant has not been reported in the literature in individuals with SLC7A9-related conditions. This variant is not present in population databases (ExAC no frequency).